The following is an entry in ClinVar:

ClinVar aggregate classification (germline): Uncertain significance (0 of 4 stars; one submission).

Conditions:
Wolff-Parkinson-White pattern. Also called: WPW SYNDROME; Auriculoventricular accessory pathway syndrome; False bundle branch block syndrome; Anomalous ventricular excitation syndrome. Identifiers: MedGen C0043202, MONDO:0008685, OMIM 194200, HP:0001716.

Allele frequency attached by ClinVar (database versions not stated): TOPMed below 0.00001.

Submission:

Lupski Lab, Baylor-Hopkins CMG, Baylor College of Medicine
Classification: Uncertain significance for Wolff-Parkinson-White pattern. Last evaluated: 2017-07-14. Review status: no assertion criteria provided. Collection method: research. Allele origin: inherited. Affected: yes. Observed: 1 variant allele. Study: Candidate_variants_in_patients_with_ Wolff-Parkinson-White Syndrome.

NM_022114.4(PRDM16):c.1642C>A (p.Pro548Thr)

Gene: PRDM16 (PR/SET domain 16; plus strand). Cytogenetic location: 1p36.32.
Variant type: single nucleotide variant.
Coding change: c.1642C>A on transcript NM_022114.4 (MANE Select); coding-DNA position 1642, C replaced by A.
Protein change: p.Pro548Thr; replaces proline 548 with threonine.
Molecular consequence: missense variant.
Genome position (GRCh38, 1-based): chr1:3,411,839, C>A. VCF-style: chr1-3411839-C-A. GRCh37 (hg19) VCF-style: chr1-3328403-C-A.
Other names: c.1642C>A, p.Pro548Thr (NM_199454.3); short protein forms P548T.
Identifiers: ClinVar variation 487633 (VCV000487633.1), dbSNP rs866090726, ClinGen allele CA337998442.
Genomic context (GRCh38, chr1:3,411,839, plus strand): 5'-CTGCTACCTCCCACATCGCTGCTCAAGAGCCCCCTGAACCACACCCAGGACGCCAAGCTC[C>A]CCAGTCCCCTGGGGAACCCAGCCCTGCCCCTGGTCTCCGCCGTCAGCAACAGCAGCCAGG-3'
Protein context (NP_071397.3, residues 538-558): PLNHTQDAKL[Pro548Thr]SPLGNPALPL